The following is an entry in ClinVar:

NM_020461.4(TUBGCP6):c.5044G>T (p.Gly1682Cys)

Gene: TUBGCP6 (tubulin gamma complex component 6; minus strand). Cytogenetic location: 22q13.33.
Variant type: single nucleotide variant.
Coding change: c.5044G>T on transcript NM_020461.4 (MANE Select); coding-DNA position 5044, G replaced by T.
Protein change: p.Gly1682Cys; replaces glycine 1682 with cysteine.
Molecular consequence: missense variant.
Genome position (GRCh38, 1-based): chr22:50,218,313, C>A on the plus strand (G>T on the coding strand, the complement: TUBGCP6 is on the minus strand). VCF-style: chr22-50218313-C-A. GRCh37 (hg19) VCF-style: chr22-50656742-C-A.
Other names: short protein forms G1682C.
Identifiers: ClinVar variation 2125477 (VCV002125477.4), dbSNP rs1208445137, ClinGen allele CA412164437.

ClinVar aggregate classification (germline): Uncertain significance (1 of 4 stars; one submission).

Allele frequency attached by ClinVar (database versions not stated): gnomAD 0.00001; TOPMed 0.00001.
gnomAD v4.1: 1 of 1,612,992 alleles (0.000062%); highest among the groups gnomAD compares: Admixed American, 0.0017%; no homozygotes.

Submission:

Labcorp Genetics (formerly Invitae), Labcorp
Classification: Uncertain significance. Last evaluated: 2022-08-06. Review status: criteria provided, single submitter. Criteria: Invitae Variant Classification Sherloc (09022015). Collection method: clinical testing. Allele origin: germline.
Comment: Algorithms developed to predict the effect of missense changes on protein structure and function are either unavailable or do not agree on the potential impact of this missense change (SIFT: "Tolerated"; PolyPhen-2: "Probably Damaging"; Align-GVGD: "Class C0"). In summary, the available evidence is currently insufficient to determine the role of this variant in disease. Therefore, it has been classified as a Variant of Uncertain Significance. This variant has not been reported in the literature in individuals affected with TUBGCP6-related conditions. This variant is not present in population databases (gnomAD no frequency). This sequence change replaces glycine, which is neutral and non-polar, with cysteine, which is neutral and slightly polar, at codon 1682 of the TUBGCP6 protein (p.Gly1682Cys).